The following is an entry in ClinVar:

ClinVar aggregate classification (germline): Uncertain significance (1 of 4 stars; one submission).

Conditions:
Familial thoracic aortic aneurysm and aortic dissection (TAAD). Also called: Thoracic aortic aneurysms and dissections. Identifiers: Orphanet 91387, MedGen C4707243, MONDO:0019625.

Submission:

Labcorp Genetics (formerly Invitae), Labcorp
Classification: Uncertain significance for Familial thoracic aortic aneurysm and aortic dissection. Last evaluated: 2023-04-27. Review status: criteria provided, single submitter. Criteria: Invitae Variant Classification Sherloc (09022015). Collection method: clinical testing. Allele origin: germline.
Comment: ClinVar contains an entry for this variant (Variation ID: 543896). In summary, the available evidence is currently insufficient to determine the role of this variant in disease. Therefore, it has been classified as a Variant of Uncertain Significance. Advanced modeling of protein sequence and biophysical properties (such as structural, functional, and spatial information, amino acid conservation, physicochemical variation, residue mobility, and thermodynamic stability) performed at Invitae indicates that this missense variant is expected to disrupt TGFBR1 protein function. This variant has not been reported in the literature in individuals affected with TGFBR1-related conditions. This variant is not present in population databases (gnomAD no frequency). This sequence change replaces methionine, which is neutral and non-polar, with arginine, which is basic and polar, at codon 441 of the TGFBR1 protein (p.Met441Arg).

NM_004612.4(TGFBR1):c.1322T>G (p.Met441Arg)

Gene: TGFBR1 (transforming growth factor beta receptor 1; plus strand). Cytogenetic location: 9q22.33.
Variant type: single nucleotide variant.
Coding change: c.1322T>G on transcript NM_004612.4 (MANE Select); coding-DNA position 1322, T replaced by G.
Protein change: p.Met441Arg; replaces methionine 441 with arginine.
Molecular consequence: missense variant.
Genome position (GRCh38, 1-based): chr9:99,147,720, T>G. VCF-style: chr9-99147720-T-G. GRCh37 (hg19) VCF-style: chr9-101910002-T-G.
Other names: c.1091T>G, p.Met364Arg (NM_001130916.3); c.1334T>G, p.Met445Arg (NM_001306210.2); short protein forms M441R, M364R, M445R.
Identifiers: ClinVar variation 543896 (VCV000543896.9), dbSNP rs1554702474, ClinGen allele CA374233380.